The following is an entry in ClinVar:

ClinVar aggregate classification (germline): Pathogenic (1 of 4 stars; one submission).

Conditions:
Radial aplasia-thrombocytopenia syndrome (TAR). Also called: TAR syndrome; Thrombocytopenia Absent Radius Syndrome. Identifiers: Orphanet 3320, MedGen C0175703, MeSH C536940, MONDO:0010121, OMIM 274000.

Submission:

New York Genome Center
Classification: Pathogenic for Radial aplasia-thrombocytopenia syndrome. Last evaluated: 2024-04-12. Review status: criteria provided, single submitter. Criteria: NYGC Assertion Criteria 2020. Collection method: clinical testing. Allele origin: inherited. Affected: yes. Observed: 1 variant allele, 1 heterozygote.
Comment: The deletion of 1q21.1 recurrent (TAR syndrome) region (proximal, BP2-BP3) (includes RBM8A) has been reported in trans with a regulatory variant in many individualswith TAR syndrome (PMID: 20301781, 32227665). The 1q proximal region contains a cluster of low copy repeats that lead to recurrent copy number changes in this region and the presence of these repeats make mapping the exact breakpoints with short-read sequencing technologies difficult. This deletion contains 16 protein-coding genes, of which four (HJV, PEX11B, POLR3GL, and RBM8A) are associated with biallelic disorders. This deletion is observed in 84 alleles on gnomADCNVs v4.0 with ~0.02% allele frequency, suggesting it is not a common polymorphism in the populations represented in that dataset. Based on available evidence this inherited 1q21.1 deletion is classifiedhere as Pathogenic.

Literature cited by the submitters: PubMed 20301781; PubMed 32227665.

GRCh38/hg38 1q21.1(chr1:145518260-146051946)x1

Genes: ANKRD34A (ankyrin repeat domain 34A; minus strand), ANKRD35 (ankyrin repeat domain 35; minus strand), ANKRD35-DT (ANKRD35 divergent transcript; plus strand), CD160 (CD160 molecule; plus strand), GPHRA (golgi pH regulator A; plus strand) and 50 more. Cytogenetic location: 1q21.1.
Variant type: copy number loss.
Change: copy number 1 (one copy instead of two) of chr1:145,518,260-146,051,946 (533.7 kb, GRCh38 coordinates, 1-based), cytogenetic band 1q21.1.
Identifiers: ClinVar variation 4888393 (VCV004888393.1).